The following is an entry in ClinVar:

ClinVar aggregate classification (germline): Uncertain significance (1 of 4 stars; one submission).

Submission:

Labcorp Genetics (formerly Invitae), Labcorp
Classification: Uncertain significance. Last evaluated: 2021-09-09. Review status: criteria provided, single submitter. Criteria: Invitae Variant Classification Sherloc (09022015). Collection method: clinical testing. Allele origin: germline.
Comment: This sequence change replaces proline with alanine at codon 941 of the SZT2 protein (p.Pro941Ala). The proline residue is highly conserved and there is a small physicochemical difference between proline and alanine. This variant is not present in population databases (ExAC no frequency). This variant has not been reported in the literature in individuals affected with SZT2-related conditions. Algorithms developed to predict the effect of missense changes on protein structure and function are either unavailable or do not agree on the potential impact of this missense change (SIFT: "Deleterious"; PolyPhen-2: "Probably Damaging"; Align-GVGD: "Class C0"). In summary, the available evidence is currently insufficient to determine the role of this variant in disease. Therefore, it has been classified as a Variant of Uncertain Significance.

NM_001365999.1(SZT2):c.2821C>G (p.Pro941Ala)

Gene: SZT2 (SZT2 subunit of KICSTOR complex; plus strand). Cytogenetic location: 1p34.2.
Variant type: single nucleotide variant.
Coding change: c.2821C>G on transcript NM_001365999.1 (MANE Select); coding-DNA position 2821, C replaced by G.
Protein change: p.Pro941Ala; replaces proline 941 with alanine.
Molecular consequence: missense variant.
Genome position (GRCh38, 1-based): chr1:43,425,841, C>G. VCF-style: chr1-43425841-C-G. GRCh37 (hg19) VCF-style: chr1-43891512-C-G.
Other names: c.2821C>G, p.Pro941Ala (NM_015284.4); short protein forms P941A.
Identifiers: ClinVar variation 1448227 (VCV001448227.6), dbSNP rs2153933121, ClinGen allele CA340015549.